The following is an entry in ClinVar:

ClinVar aggregate classification (germline): Uncertain significance. Review status: criteria provided, multiple submitters, no conflicts (2 of 4 stars). 2 submissions from 2 submitters: Uncertain significance (2). Last evaluated 2023-10-08.

Conditions:
Hereditary cancer-predisposing syndrome. Also called: Hereditary neoplastic syndrome; Neoplastic Syndromes, Hereditary; Hereditary Cancer Syndrome; Tumor predisposition. Identifiers: Orphanet 140162, MedGen C0027672, MeSH D009386, MONDO:0015356.
Hereditary nonpolyposis colorectal neoplasms. Identifiers: MedGen C0009405, MeSH D003123.

gnomAD v4.1: 1 of 1,614,046 alleles (0.000062%); highest among the groups gnomAD compares: Non-Finnish European, 0.000085%; no homozygotes.

Submissions (2):

Ambry Genetics
Classification: Uncertain significance for Hereditary cancer-predisposing syndrome. Last evaluated: 2023-10-08. Review status: criteria provided, single submitter. Criteria: Ambry Variant Classification Scheme 2023. Collection method: clinical testing. Allele origin: germline.
Comment: The p.S1279I variant (also known as c.3836G>T), located in coding exon 9 of the MSH6 gene, results from a G to T substitution at nucleotide position 3836. The serine at codon 1279 is replaced by isoleucine, an amino acid with dissimilar properties. This amino acid position is conserved. In addition, this alteration is predicted to be deleterious by in silico analysis. Since supporting evidence is limited at this time, the clinical significance of this alteration remains unclear.

Labcorp Genetics (formerly Invitae), Labcorp
Classification: Uncertain significance for Hereditary nonpolyposis colorectal neoplasms. Last evaluated: 2023-08-28. Review status: criteria provided, single submitter. Criteria: Invitae Variant Classification Sherloc (09022015). Collection method: clinical testing. Allele origin: germline.
Comment: In summary, the available evidence is currently insufficient to determine the role of this variant in disease. Therefore, it has been classified as a Variant of Uncertain Significance. Advanced modeling of protein sequence and biophysical properties (such as structural, functional, and spatial information, amino acid conservation, physicochemical variation, residue mobility, and thermodynamic stability) performed at Invitae indicates that this missense variant is not expected to disrupt MSH6 protein function. This variant has not been reported in the literature in individuals affected with MSH6-related conditions. This variant is not present in population databases (gnomAD no frequency). This sequence change replaces serine, which is neutral and polar, with isoleucine, which is neutral and non-polar, at codon 1279 of the MSH6 protein (p.Ser1279Ile).

NM_000179.3(MSH6):c.3836G>T (p.Ser1279Ile)

Gene: MSH6 (mutS homolog 6; plus strand). Cytogenetic location: 2p16.3.
Variant type: single nucleotide variant.
Coding change: c.3836G>T on transcript NM_000179.3 (MANE Select); coding-DNA position 3836, G replaced by T.
Protein change: p.Ser1279Ile; replaces serine 1279 with isoleucine.
Molecular consequence: missense variant. On other transcripts: non-coding transcript variant (5), intron variant (1).
Genome position (GRCh38, 1-based): chr2:47,806,486, G>T. VCF-style: chr2-47806486-G-T. GRCh37 (hg19) VCF-style: chr2-48033625-G-T.
Other names: c.3446G>T, p.Ser1149Ile (NM_001281492.2); c.2930G>T, p.Ser977Ile (NM_001281493.2, NM_001281494.2, NM_001406811.1 and 6 more transcripts); c.3932G>T, p.Ser1311Ile (NM_001406795.1); c.3836G>T, p.Ser1279Ile (NM_001406796.1, NM_001406808.1, NM_001406809.1); c.3539G>T, p.Ser1180Ile (NM_001406797.1, NM_001406801.1, NM_001406805.1 and 10 more transcripts); c.3662G>T, p.Ser1221Ile (NM_001406798.1); c.3311G>T, p.Ser1104Ile (NM_001406799.1, NM_001406806.1, NM_001406807.1); c.3823G>T, p.Ala1275Ser (NM_001406800.1); and 9 more; short protein forms A1275S, S1104I, S1180I, S1281I, S1311I, S757I, S1223I, S1253I.
Identifiers: ClinVar variation 2806770 (VCV002806770.4), dbSNP rs864622400, ClinGen allele CA346761284.